The following is an entry in ClinVar:

ClinVar aggregate classification (germline): Uncertain significance. Review status: criteria provided, multiple submitters, no conflicts (2 of 4 stars). 6 submissions from 6 submitters: Uncertain significance (6). Last evaluated 2026-06-02.

Conditions:
Early-onset myopathy with fatal cardiomyopathy (CMYO5). Also called: Salih Myopathy; CONGENITAL MYOPATHY 5 WITH CARDIOMYOPATHY. Identifiers: Orphanet 289377, MedGen C2673677, MONDO:0012714, OMIM 611705. Disease mechanism: loss of function.
Dilated cardiomyopathy 1G (CMD1G). Identifiers: Orphanet 154, MedGen C1858763, MONDO:0011400, OMIM 604145.
Tibial muscular dystrophy (TMD). Also called: UDD MYOPATHY; Tibial muscular dystrophy, tardive; Udd Distal Myopathy – Tibial Muscular Dystrophy. Identifiers: Orphanet 609, MedGen C1838244, MONDO:0010870, OMIM 600334.
Autosomal recessive limb-girdle muscular dystrophy type 2J (LGMDR10). Also called: Limb-girdle muscular dystrophy, type 2J; MUSCULAR DYSTROPHY, LIMB-GIRDLE, AUTOSOMAL RECESSIVE 10. Identifiers: Orphanet 140922, MedGen C1837342, MONDO:0012127, OMIM 608807.
Hypertrophic cardiomyopathy 9. Also called: Familial hypertrophic cardiomyopathy 9. Identifiers: MedGen C1861065, MONDO:0013412, OMIM 613765.
Myopathy, myofibrillar, 9, with early respiratory failure (MFM9). Also called: Hereditary myopathy with early respiratory failure; MYOPATHY, PROXIMAL, WITH EARLY RESPIRATORY MUSCLE INVOLVEMENT; EDSTROM MYOPATHY; Myopathy, distal, with early respiratory failure, autosomal dominant. Identifiers: Orphanet 178464, Orphanet 34521, MedGen C1863599, MONDO:0011362, OMIM 603689.
TTN-related disorder. Also called: TTN-related condition; TTN-related disease; TTN-related disorders.
Cardiovascular phenotype. Identifiers: MedGen CN230736.

Allele frequency attached by ClinVar (database versions not stated): gnomAD 0.00002 and 0.00003; 1000 Genomes Project 30x 0.00016.
gnomAD v4.1: 25 of 1,611,884 alleles (0.0016%); highest among the groups gnomAD compares: Admixed American, 0.015%; no homozygotes.

Submissions (6):

PreventionGenetics, part of Exact Sciences
Classification: Uncertain significance for TTN-related condition. Last evaluated: 2026-06-02. Review status: criteria provided, single submitter. Criteria: ACMG Guidelines, 2015. Collection method: clinical testing. Allele origin: germline.
Comment: The TTN c.8902C>T variant is predicted to result in the amino acid substitution p.Pro2968Ser. To our knowledge, this variant has not been reported in the literature. This variant is reported in 0.0028% of alleles in individuals of Latino descent in gnomAD. At this time, the clinical significance of this variant is uncertain due to the absence of conclusive functional and genetic evidence.

GeneDx
Classification: Uncertain significance. Last evaluated: 2026-02-02. Review status: criteria provided, single submitter. Criteria: GeneDx Variant Classification Process June 2021. Collection method: clinical testing. Allele origin: germline.
Comment: Not observed at significant frequency in large population cohorts (gnomAD); Missense variant in a gene in which most reported pathogenic variants are truncating/loss of function; Has not been previously published as pathogenic or benign to our knowledge

Fulgent Genetics
Classification: Uncertain significance for Tibial muscular dystrophy; Myopathy, myofibrillar, 9, with early respiratory failure; Dilated cardiomyopathy 1G; Autosomal recessive limb-girdle muscular dystrophy type 2J; Early-onset myopathy with fatal cardiomyopathy; Hypertrophic cardiomyopathy 9. Last evaluated: 2021-09-16. Review status: criteria provided, single submitter. Criteria: ACMG Guidelines, 2015. Collection method: clinical testing. Allele origin: unknown.

Ambry Genetics
Classification: Uncertain significance for Cardiovascular phenotype. Last evaluated: 2019-06-27. Review status: criteria provided, single submitter. Criteria: Ambry Variant Classification Scheme 2023. Collection method: clinical testing. Allele origin: germline.
Comment: The c.8764C>T variant (also known as p.P2922S), located in coding exon 35 of the TTN gene, results from a C to T substitution at nucleotide position 8764. The amino acid change results in proline to serine at codon 2922, an amino acid with similar properties. However, this change occurs in the last base pair of coding exon 35, which makes it likely to have some effect on normal mRNA splicing. This amino acid position is highly conserved in available vertebrate species. In addition, the in silico prediction for this alteration is inconclusive. Since supporting evidence is limited at this time, the clinical significance of this alteration remains unclear.

Revvity Omics, Revvity
Classification: Uncertain significance. Last evaluated: 2019-06-26. Review status: criteria provided, single submitter. Criteria: ACMG Guidelines, 2015. Collection method: clinical testing. Allele origin: germline.

Eurofins Ntd Llc (ga)
Classification: Uncertain significance. Last evaluated: 2016-09-06. Review status: criteria provided, single submitter. Criteria: EGL Classification Definitions 2015. Collection method: clinical testing. Allele origin: germline. Observed: 2 variant alleles, 2 heterozygotes.

NM_001267550.2(TTN):c.8902C>T (p.Pro2968Ser)

Gene: TTN (titin; minus strand). Cytogenetic location: 2q31.2.
Variant type: single nucleotide variant.
Coding change: c.8902C>T on transcript NM_001267550.2 (MANE Select); coding-DNA position 8902, C replaced by T.
Protein change: p.Pro2968Ser; replaces proline 2968 with serine.
Molecular consequence: missense variant.
Genome position (GRCh38, 1-based): chr2:178,769,679, G>A on the plus strand (C>T on the coding strand, the complement: TTN is on the minus strand). VCF-style: chr2-178769679-G-A. GRCh37 (hg19) VCF-style: chr2-179634406-G-A.
Other names: c.8902C>T, p.Pro2968Ser (NM_001256850.1, NM_133378.4, NM_133379.5); c.8764C>T, p.Pro2922Ser (NM_003319.4, NM_133432.3, NM_133437.4); c.8902C>T (NM_001267550.1); short protein forms P2968S, P2922S.
Identifiers: ClinVar variation 290727 (VCV000290727.13), dbSNP rs773875566, ClinGen allele CA2004510.